The following is an entry in ClinVar:

ClinVar aggregate classification (germline): Uncertain significance (1 of 4 stars; one submission).

Conditions:
Idiopathic generalized epilepsy. Also called: Generalised epilepsy; EIG. Identifiers: MedGen C0270850, MONDO:0005579, OMIM 600669.

gnomAD v4.1: 1 of 1,559,982 alleles (0.000064%); highest among the groups gnomAD compares: Non-Finnish European, 0.000087%; no homozygotes.

Submission:

Labcorp Genetics (formerly Invitae), Labcorp
Classification: Uncertain significance for Idiopathic generalized epilepsy. Last evaluated: 2025-12-24. Review status: criteria provided, single submitter. Criteria: Invitae Variant Classification Sherloc (09022015). Collection method: clinical testing. Allele origin: germline.
Comment: This sequence change replaces alanine, which is neutral and non-polar, with valine, which is neutral and non-polar, at codon 189 of the RBFOX1 protein (p.Ala189Val). This variant is not present in population databases (gnomAD no frequency). This variant has not been reported in the literature in individuals affected with RBFOX1-related conditions. Invitae Evidence Modeling of protein sequence and biophysical properties (such as structural, functional, and spatial information, amino acid conservation, physicochemical variation, residue mobility, and thermodynamic stability) indicates that this missense variant is expected to disrupt RBFOX1 protein function with a positive predictive value of 80%. In summary, the available evidence is currently insufficient to determine the role of this variant in disease. Therefore, it has been classified as a Variant of Uncertain Significance.

NM_018723.4(RBFOX1):c.506C>T (p.Ala169Val)

Gene: RBFOX1 (RNA binding fox-1 homolog 1; plus strand). Cytogenetic location: 16p13.3.
Variant type: single nucleotide variant.
Coding change: c.506C>T on transcript NM_018723.4 (MANE Select); coding-DNA position 506, C replaced by T.
Protein change: p.Ala169Val; replaces alanine 169 with valine.
Molecular consequence: missense variant. On other transcripts: intron variant (6).
Genome position (GRCh38, 1-based): chr16:7,595,586, C>T. VCF-style: chr16-7595586-C-T. GRCh37 (hg19) VCF-style: chr16-7645588-C-T.
Other names: c.635C>T, p.Ala212Val (NM_001411047.1, NM_001415891.1, NM_001415895.1 and 3 more transcripts); c.1103C>T, p.Ala368Val (NM_001415887.1, NM_001415888.1); c.614C>T, p.Ala205Val (NM_001415889.1, NM_001415892.1, NM_001415894.1 and 3 more transcripts); c.581C>T, p.Ala194Val (NM_001415890.1, NM_001415893.1, NM_001415899.1 and 3 more transcripts); c.506C>T, p.Ala169Val (NM_001142333.2, NM_001142334.2, NM_001364800.2); c.566C>T, p.Ala189Val (NM_001415896.1, NM_001415904.1, NM_001415906.1 and 4 more transcripts); c.512C>T, p.Ala171Val (NM_001415902.1, NM_001415911.1, NM_001415917.1); c.598-1785C>T (NM_001415908.1, NM_001415914.1); and 3 more; short protein forms A169V, A205V, A368V, A171V, A212V, A189V, A194V.
Identifiers: ClinVar variation 4771709 (VCV004771709.1).